The following is an entry in ClinVar:

NM_003073.5(SMARCB1):c.796-1G>A

Gene: SMARCB1 (SWI/SNF related, matrix associated, actin dependent regulator of chromatin, subfamily b, member 1; plus strand). Cytogenetic location: 22q11.23.
Variant type: single nucleotide variant.
Coding change: c.796-1G>A on transcript NM_003073.5 (MANE Select); the canonical splice acceptor site of the intron before coding-DNA position 796, G replaced by A.
Molecular consequence: splice acceptor variant.
Genome position (GRCh38, 1-based): chr22:23,825,224, G>A. VCF-style: chr22-23825224-G-A. GRCh37 (hg19) VCF-style: chr22-24167411-G-A.
Other names: c.850-1G>A (NM_001362877.2); c.823-1G>A (NM_001317946.2); c.769-1G>A (NM_001007468.3).
Identifiers: ClinVar variation 1331385 (VCV001331385.1), dbSNP rs2146026614, ClinGen allele CA410906699.
Genomic context (GRCh38, chr22:23,825,224, plus strand): 5'-CTCCTCGCGGCCTCCCTGGGCTGCAAAAGCTCTAACTTGTGTCCTTTGGTTGTTGCCTCA[G>A]CTGAACATCCATGTGGGAAACATTTCCCTGGTGGACCAGTTTGAGTGGGACATGTCAGAG-3'

ClinVar aggregate classification (germline): Likely pathogenic (1 of 4 stars; one submission).

Conditions:
Coffin-Siris syndrome. Identifiers: Orphanet 1465, MedGen C0265338, MONDO:0015452.

Submission:

Women's Health and Genetics/Laboratory Corporation of America, LabCorp
Classification: Likely pathogenic for Coffin-Siris syndrome. Last evaluated: 2021-12-10. Review status: criteria provided, single submitter. Criteria: LabCorp Variant Classification Summary - May 2015. Collection method: clinical testing. Allele origin: germline.
Comment: Variant summary: SMARCB1 c.796-1G>A is located in a canonical splice-site and is predicted to affect mRNA splicing resulting in a significantly altered protein due to either exon skipping, shortening, or inclusion of intronic material. Several computational tools predict a significant impact on normal splicing: Four predict the variant abolishes a 3' acceptor site. However, these predictions have yet to be confirmed by functional studies. The variant was absent in 251438 control chromosomes (gnomAD). To our knowledge, no occurrence of c.796-1G>A in individuals affected with Coffin-Siris Syndrome and no experimental evidence demonstrating its impact on protein function have been reported. No clinical diagnostic laboratories have submitted clinical-significance assessments for this variant to ClinVar after 2014. Based on the evidence outlined above, the variant was classified as likely pathogenic.